The following is an entry in ClinVar:

NM_000370.3(TTPA):c.204+6C>T

Gene: TTPA (alpha tocopherol transfer protein; minus strand). Cytogenetic location: 8q12.3.
Variant type: single nucleotide variant.
Coding change: c.204+6C>T on transcript NM_000370.3 (MANE Select); 6 bases into the intron after coding-DNA position 204, C replaced by T.
Molecular consequence: intron variant.
Genome position (GRCh38, 1-based): chr8:63,085,812, G>A on the plus strand (C>T on the coding strand, the complement: TTPA is on the minus strand). VCF-style: chr8-63085812-G-A. GRCh37 (hg19) VCF-style: chr8-63998371-G-A.
Identifiers: ClinVar variation 1256476 (VCV001256476.9), dbSNP rs574780098, ClinGen allele CA4763308.

ClinVar aggregate classification (germline): Conflicting classifications of pathogenicity. Review status: criteria provided, conflicting classifications (1 of 4 stars). 5 submissions from 5 submitters: Uncertain significance (3); Likely benign (1). 1 of the submissions does not count toward it. Last evaluated 2025-12-05.

Conditions:
Familial isolated deficiency of vitamin E (AVED). Also called: Ataxia with isolated vitamin E deficiency; ATAXIA, FRIEDREICH-LIKE, WITH SELECTIVE VITAMIN E DEFICIENCY. Identifiers: Orphanet 96, MedGen C1848533, MONDO:0010188, OMIM 277460.

Allele frequency attached by ClinVar (database versions not stated): gnomAD exomes 0.00002 and 0.00005; ExAC 0.00009; gnomAD 0.00017 and 0.00018; TOPMed 0.00020; 1000 Genomes Project 30x 0.00062; 1000 Genomes Project 0.00080.
gnomAD v4.1: 47 of 1,534,450 alleles (0.0031%); highest among the groups gnomAD compares: African/African-American, 0.059%; no homozygotes.

Submissions (5):

Labcorp Genetics (formerly Invitae), Labcorp
Classification: Uncertain significance. Last evaluated: 2025-12-05. Review status: criteria provided, single submitter. Criteria: Invitae Variant Classification Sherloc (09022015). Collection method: clinical testing. Allele origin: germline.
Comment: This sequence change falls in intron 1 of the TTPA gene. It does not directly change the encoded amino acid sequence of the TTPA protein. It affects a nucleotide within the consensus splice site. This variant is present in population databases (rs574780098, gnomAD 0.07%). This variant has not been reported in the literature in individuals affected with TTPA-related conditions. ClinVar contains an entry for this variant (Variation ID: 1256476). Variants that disrupt the consensus splice site are a relatively common cause of aberrant splicing (PMID: 17576681, 9536098). Algorithms developed to predict the effect of sequence changes on RNA splicing suggest that this variant is not likely to affect RNA splicing. In summary, the available evidence is currently insufficient to determine the role of this variant in disease. Therefore, it has been classified as a Variant of Uncertain Significance.

Athena Diagnostics
Classification: Uncertain significance. Last evaluated: 2024-02-01. Review status: criteria provided, single submitter. Criteria: Athena Diagnostics Criteria. Collection method: clinical testing. Allele origin: unknown.

Women's Health and Genetics/Laboratory Corporation of America, LabCorp
Classification: Uncertain significance. Last evaluated: 2024-01-11. Review status: criteria provided, single submitter. Criteria: LabCorp Variant Classification Summary - May 2015. Collection method: clinical testing. Allele origin: germline.

Blueprint Genetics
Classification: Likely benign. Last evaluated: 2022-11-08. Review status: criteria provided, single submitter. Criteria: ACMG Guidelines, 2015. Collection method: clinical testing. Allele origin: germline.

Natera, Inc.
Classification: Uncertain significance for Ataxia with isolated vitamin E deficiency. Last evaluated: 2020-07-29. Review status: no assertion criteria provided. Collection method: clinical testing. Allele origin: germline. Not counted in ClinVar's aggregate classification.

Literature cited by the submitters: PubMed 17576681 (cited by Labcorp Genetics (formerly Invitae), Labcorp); PubMed 9536098 (cited by Labcorp Genetics (formerly Invitae), Labcorp).